The following is an entry in ClinVar:

NM_025215.6(PUS1):c.65G>A (p.Arg22His)

Gene: PUS1 (pseudouridine synthase 1; plus strand). Cytogenetic location: 12q24.33.
Variant type: single nucleotide variant.
Coding change: c.65G>A on transcript NM_025215.6 (MANE Select); coding-DNA position 65, G replaced by A.
Protein change: p.Arg22His; replaces arginine 22 with histidine.
Molecular consequence: missense variant. On other transcripts: intron variant (2).
Genome position (GRCh38, 1-based): chr12:131,929,787, G>A. VCF-style: chr12-131929787-G-A. GRCh37 (hg19) VCF-style: chr12-132414332-G-A.
Other names: p.Arg22His; c.-10-120G>A (NM_001002019.3, NM_001002020.3); short protein forms R22H.
Identifiers: ClinVar variation 1383411 (VCV001383411.8), dbSNP rs776524302, ClinGen allele CA6883977.

ClinVar aggregate classification (germline): Uncertain significance. Review status: criteria provided, multiple submitters, no conflicts (2 of 4 stars). 3 submissions from 3 submitters: Uncertain significance (3). Last evaluated 2026-02-01.

Allele frequency attached by ClinVar (database versions not stated): TOPMed 0.00006; gnomAD 0.00008; gnomAD exomes 0.00009; ExAC 0.00016.
gnomAD v4.1: 88 of 1,588,904 alleles (0.0055%); highest among the groups gnomAD compares: Non-Finnish European, 0.0068%; no homozygotes.

Submissions (3):

CeGaT Center for Human Genetics Tuebingen
Classification: Uncertain significance. Last evaluated: 2026-02-01. Review status: criteria provided, single submitter. Criteria: CeGaT Center For Human Genetics Tuebingen Variant Classification Criteria Version 2. Collection method: clinical testing. Allele origin: germline. Affected: yes. Observed: 1 variant allele.
Comment: PUS1: PM2

Mayo Clinic Laboratories, Mayo Clinic
Classification: Uncertain significance. Last evaluated: 2023-03-28. Review status: criteria provided, single submitter. Criteria: ACMG Guidelines, 2015. Collection method: clinical testing. Allele origin: germline. Observed: 2 variant alleles.
Comment: BP4

Labcorp Genetics (formerly Invitae), Labcorp
Classification: Uncertain significance. Last evaluated: 2022-10-17. Review status: criteria provided, single submitter. Criteria: Invitae Variant Classification Sherloc (09022015). Collection method: clinical testing. Allele origin: germline.
Comment: This sequence change replaces arginine, which is basic and polar, with histidine, which is basic and polar, at codon 22 of the PUS1 protein (p.Arg22His). This variant is present in population databases (rs776524302, gnomAD 0.02%). This variant has not been reported in the literature in individuals affected with PUS1-related conditions. ClinVar contains an entry for this variant (Variation ID: 1383411). Algorithms developed to predict the effect of missense changes on protein structure and function (SIFT, PolyPhen-2, Align-GVGD) all suggest that this variant is likely to be tolerated. In summary, the available evidence is currently insufficient to determine the role of this variant in disease. Therefore, it has been classified as a Variant of Uncertain Significance.